The following is an entry in ClinVar:

NM_006019.4(TCIRG1):c.269dup (p.Pro91fs)

Gene: TCIRG1 (T cell immune regulator 1, ATPase H+ transporting V0 subunit a3; plus strand). Cytogenetic location: 11q13.2.
Variant type: Duplication.
Coding change: c.269dup on transcript NM_006019.4 (MANE Select); coding-DNA position 269, one base duplicated (C; older notation c.269dupC).
Protein change: p.Pro91fs; shifts the reading frame from proline 91.
Molecular consequence: frameshift variant. On other transcripts: 5 prime UTR variant (1), intron variant (1).
Genome position (GRCh38, 1-based): chr11:68,042,715, C duplicated; the last of 5 consecutive C bases (chr11:68,042,711-68,042,715); duplicating any one gives the same sequence. VCF-style (leftmost placement, unchanged base first): chr11-68042710-A-AC. GRCh37 (hg19) VCF-style: chr11-67810177-A-AC.
Other names: c.-981dup (NM_001351059.2); c.269dup, p.Pro91fs (NM_001440552.1, NM_001440553.1, NM_001440554.1 and 9 more transcripts); c.227dup, p.Pro77fs (NM_001440555.1, NM_001440556.1, NM_001440563.1 and 2 more transcripts); c.118-231dup (NM_001440565.1); short protein forms P77fs, P91fs.
Identifiers: ClinVar variation 5003888 (VCV005003888.1).

ClinVar aggregate classification (germline): Pathogenic (1 of 4 stars; one submission).

Conditions:
Autosomal recessive osteopetrosis 1. Also called: TCIRG1-Related Osteopetrosis; ALBERS-SCHONBERG DISEASE, AUTOSOMAL RECESSIVE; TCIRG1-Related Autosomal Recessive Osteopetrosis. Identifiers: Orphanet 667, MedGen C1850127, MONDO:0009815, OMIM 259700.

Submission:

Myriad Genetics, Inc.
Classification: Pathogenic for Autosomal recessive osteopetrosis 1. Last evaluated: 2025-10-13. Review status: criteria provided, single submitter. Criteria: Myriad Autosomal Dominant, Autosomal Recessive and X-Linked Classification Criteria (2023). Collection method: clinical testing. Allele origin: unknown.
Comment: NM_006019.3(TCIRG1):c.269dupC(P91Tfs*47) is a frameshift variant classified as pathogenic in the context of autosomal recessive osteopetrosis type 1. P91Tfs*47 has not been observed in cases with relevant disease. Relevant functional assessments of this variant are not available in the literature. P91Tfs*47 has not been observed in referenced population frequency databases. In summary, NM_006019.3(TCIRG1):c.269dupC(P91Tfs*47) is a frameshift variant in a gene where loss of function is a known mechanism of disease and is predicted to disrupt protein function. Please note: this variant was assessed in the context of healthy population screening.